The following is an entry in ClinVar:

ClinVar aggregate classification (germline): Uncertain significance (1 of 4 stars; one submission).

gnomAD v4.1: 2 of 1,594,874 alleles (0.00013%); highest among the groups gnomAD compares: Non-Finnish European, 0.00017%; no homozygotes.

Submission:

Labcorp Genetics (formerly Invitae), Labcorp
Classification: Uncertain significance. Last evaluated: 2025-01-13. Review status: criteria provided, single submitter. Criteria: Invitae Variant Classification Sherloc (09022015). Collection method: clinical testing. Allele origin: germline.
Comment: This sequence change replaces methionine, which is neutral and non-polar, with threonine, which is neutral and polar, at codon 953 of the GPR179 protein (p.Met953Thr). This variant is present in population databases (rs768484296, gnomAD 0.002%). This variant has not been reported in the literature in individuals affected with GPR179-related conditions. An algorithm developed to predict the effect of missense changes on protein structure and function outputs the following: PolyPhen-2: "Benign". The threonine amino acid residue is found in multiple mammalian species, which suggests that this missense change does not adversely affect protein function. In summary, the available evidence is currently insufficient to determine the role of this variant in disease. Therefore, it has been classified as a Variant of Uncertain Significance.

NM_001004334.4(GPR179):c.2858T>C (p.Met953Thr)

Gene: GPR179 (G protein-coupled receptor 179; minus strand). Cytogenetic location: 17q12.
Variant type: single nucleotide variant.
Coding change: c.2858T>C on transcript NM_001004334.4 (MANE Select); coding-DNA position 2858, T replaced by C.
Protein change: p.Met953Thr; replaces methionine 953 with threonine.
Molecular consequence: missense variant.
Genome position (GRCh38, 1-based): chr17:38,330,711, A>G on the plus strand (T>C on the coding strand, the complement: GPR179 is on the minus strand). VCF-style: chr17-38330711-A-G. GRCh37 (hg19) VCF-style: chr17-36486594-A-G.
Other names: short protein forms M953T.
Identifiers: ClinVar variation 3685711 (VCV003685711.2).